The following is an entry in ClinVar:

ClinVar aggregate classification (germline): Uncertain significance. Review status: criteria provided, multiple submitters, no conflicts (2 of 4 stars). 5 submissions from 5 submitters: Uncertain significance (5). Last evaluated 2025-02-03.

Conditions:
Intellectual disability, autosomal recessive 53 (NEDHSCA). Also called: NEURODEVELOPMENTAL DISORDER WITH OR WITHOUT HYPOTONIA, SEIZURES, AND CEREBELLAR ATROPHY; GLYCOSYLPHOSPHATIDYLINOSITOL BIOSYNTHESIS DEFECT 13; Mental retardation, autosomal recessive 53. Identifiers: Orphanet 488635, MedGen C4310794, MONDO:0014832, OMIM 616917.
Inborn genetic diseases. Identifiers: MedGen C0950123, MeSH D030342.

Allele frequency attached by ClinVar (database versions not stated): gnomAD exomes 0.00002 and 0.00006; TOPMed 0.00014; 1000 Genomes Project 30x 0.00016; gnomAD 0.00019 and 0.00021; 1000 Genomes Project 0.00020; ExAC 0.00046.
gnomAD v4.1: 51 of 1,526,904 alleles (0.0033%); highest among the groups gnomAD compares: African/African-American, 0.051%; 1 homozygote.

Submissions (5):

Labcorp Genetics (formerly Invitae), Labcorp
Classification: Uncertain significance for Intellectual disability, autosomal recessive 53. Last evaluated: 2025-02-03. Review status: criteria provided, single submitter. Criteria: Invitae Variant Classification Sherloc (09022015). Collection method: clinical testing. Allele origin: germline.
Comment: This sequence change replaces tryptophan, which is neutral and slightly polar, with arginine, which is basic and polar, at codon 687 of the PIGG protein (p.Trp687Arg). This variant is present in population databases (rs566226008, gnomAD 0.1%). This variant has not been reported in the literature in individuals affected with PIGG-related conditions. ClinVar contains an entry for this variant (Variation ID: 1007351). Invitae Evidence Modeling of protein sequence and biophysical properties (such as structural, functional, and spatial information, amino acid conservation, physicochemical variation, residue mobility, and thermodynamic stability) indicates that this missense variant is expected to disrupt PIGG protein function with a positive predictive value of 80%. In summary, the available evidence is currently insufficient to determine the role of this variant in disease. Therefore, it has been classified as a Variant of Uncertain Significance.

GeneDx
Classification: Uncertain significance. Last evaluated: 2024-11-05. Review status: criteria provided, single submitter. Criteria: GeneDx Variant Classification Process June 2021. Collection method: clinical testing. Allele origin: germline. Affected: yes.
Comment: Has not been previously published as pathogenic or benign to our knowledge; In silico analysis supports that this missense variant has a deleterious effect on protein structure/function

Women's Health and Genetics/Laboratory Corporation of America, LabCorp
Classification: Uncertain significance. Last evaluated: 2024-04-17. Review status: criteria provided, single submitter. Criteria: LabCorp Variant Classification Summary - May 2015. Collection method: clinical testing. Allele origin: germline.
Comment: Variant summary: PIGG c.2059T>C (p.Trp687Arg) results in a non-conservative amino acid change located in the GPI ethanolamine phosphate transferase 2, C-terminal of the encoded protein sequence. Four of five in-silico tools predict a damaging effect of the variant on protein function. The variant allele was found at a frequency of 6.4e-05 in 139934 control chromosomes. The available data on variant occurrences in the general population are insufficient to allow any conclusion about variant significance. To our knowledge, no occurrence of c.2059T>C in individuals affected with Intellectual Disability, Autosomal Recessive 53 and no experimental evidence demonstrating its impact on protein function have been reported. ClinVar contains an entry for this variant (Variation ID: 1007351). Based on the evidence outlined above, the variant was classified as uncertain significance.

Ambry Genetics
Classification: Uncertain significance for Inborn genetic diseases. Last evaluated: 2024-01-23. Review status: criteria provided, single submitter. Criteria: Ambry Variant Classification Scheme 2023. Collection method: clinical testing. Allele origin: germline.

Baylor Genetics
Classification: Uncertain significance for Intellectual disability, autosomal recessive 53. Last evaluated: 2018-12-19. Review status: criteria provided, single submitter. Criteria: ACMG Guidelines, 2015. Collection method: clinical testing. Allele origin: maternal. Affected: yes.
Comment: This variant was determined to be of uncertain significance according to ACMG Guidelines, 2015 [PMID:25741868].

NM_001127178.3(PIGG):c.2059T>C (p.Trp687Arg)

Gene: PIGG (phosphatidylinositol glycan anchor biosynthesis class G (EMM blood group); plus strand). Cytogenetic location: 4p16.3.
Variant type: single nucleotide variant.
Coding change: c.2059T>C on transcript NM_001127178.3 (MANE Select); coding-DNA position 2059, T replaced by C.
Protein change: p.Trp687Arg; replaces tryptophan 687 with arginine.
Molecular consequence: missense variant. On other transcripts: non-coding transcript variant (6).
Genome position (GRCh38, 1-based): chr4:523,903, T>C. VCF-style: chr4-523903-T-C. GRCh37 (hg19) VCF-style: chr4-517692-T-C.
Other names: c.1792T>C, p.Trp598Arg (NM_001289051.2, NM_001345986.2); c.1660T>C, p.Trp554Arg (NM_001289052.2); c.1768T>C, p.Trp590Arg (NM_001345987.2); c.1030T>C, p.Trp344Arg (NM_001345988.2); c.526T>C, p.Trp176Arg (NM_001345990.2, NM_001345991.2); c.961T>C, p.Trp321Arg (NM_001345994.2); c.2035T>C, p.Trp679Arg (NM_017733.5); short protein forms W176R, W321R, W344R, W554R, W590R, W598R, W679R, W687R.
Identifiers: ClinVar variation 1007351 (VCV001007351.11), dbSNP rs566226008, ClinGen allele CA2793511.